The following is an entry in ClinVar:

NM_000572.3(IL10):c.521T>C (p.Met174Thr)

Gene: IL10 (interleukin 10; minus strand). Cytogenetic location: 1q32.1.
Variant type: single nucleotide variant.
Coding change: c.521T>C on transcript NM_000572.3 (MANE Select); coding-DNA position 521, T replaced by C.
Protein change: p.Met174Thr; replaces methionine 174 with threonine.
Molecular consequence: missense variant. On other transcripts: non-coding transcript variant (2).
Genome position (GRCh38, 1-based): chr1:206,768,652, A>G on the plus strand (T>C on the coding strand, the complement: IL10 is on the minus strand). VCF-style: chr1-206768652-A-G. GRCh37 (hg19) VCF-style: chr1-206941997-A-G.
Other names: c.266T>C, p.Met89Thr (NM_001382624.1); short protein forms M89T, M174T.
Identifiers: ClinVar variation 1488399 (VCV001488399.5), dbSNP rs762496248, ClinGen allele CA1363725.
Genomic context (GRCh38, chr1:206,768,652, plus strand): 5'-TCTAATTTATGTCCTAGAGTCTATAGAGTCGCCACCCTGATGTCTCAGTTTCGTATCTTC[A>G]TTGTCATGTAGGCTTCTATGTAGTTGATGAAGATGTCAAACTCACTCATGGCTTTGTAGA-3'
Protein context (NP_000563.1, residues 164-178): FINYIEAYMT[Met174Thr]KIRN

ClinVar aggregate classification (germline): Uncertain significance (1 of 4 stars; one submission).

Conditions:
Inflammatory bowel disease. Identifiers: Orphanet 104012, MedGen C0021390, MONDO:0005265.

Allele frequency attached by ClinVar (database versions not stated): gnomAD exomes below 0.00001 and 0.00001; gnomAD 0.00001; ExAC 0.00002.

Submission:

Labcorp Genetics (formerly Invitae), Labcorp
Classification: Uncertain significance for Inflammatory bowel disease. Last evaluated: 2021-08-31. Review status: criteria provided, single submitter. Criteria: Invitae Variant Classification Sherloc (09022015). Collection method: clinical testing. Allele origin: germline.
Comment: This sequence change replaces methionine with threonine at codon 174 of the IL10 protein (p.Met174Thr). The methionine residue is weakly conserved and there is a moderate physicochemical difference between methionine and threonine. This variant is present in population databases (rs762496248, ExAC 0.02%). This variant has not been reported in the literature in individuals affected with IL10-related conditions. Algorithms developed to predict the effect of missense changes on protein structure and function output the following: SIFT: "Tolerated"; PolyPhen-2: "Benign"; Align-GVGD: "Class C0". The threonine amino acid residue is found in multiple mammalian species, which suggests that this missense change does not adversely affect protein function. In summary, the available evidence is currently insufficient to determine the role of this variant in disease. Therefore, it has been classified as a Variant of Uncertain Significance.